The following is an entry in ClinVar:

ClinVar aggregate classification (germline): Uncertain significance (1 of 4 stars; one submission).

Conditions:
Noonan syndrome 9 (NS9). Identifiers: Orphanet 648, MedGen C4225282, MONDO:0014691, OMIM 616559.

Submission:

Labcorp Genetics (formerly Invitae), Labcorp
Classification: Uncertain significance for Noonan syndrome 9. Last evaluated: 2023-10-25. Review status: criteria provided, single submitter. Criteria: Invitae Variant Classification Sherloc (09022015). Collection method: clinical testing. Allele origin: germline.
Comment: This sequence change replaces phenylalanine, which is neutral and non-polar, with leucine, which is neutral and non-polar, at codon 769 of the SOS2 protein (p.Phe769Leu). This variant is not present in population databases (gnomAD no frequency). This variant has not been reported in the literature in individuals affected with SOS2-related conditions. Advanced modeling of protein sequence and biophysical properties (such as structural, functional, and spatial information, amino acid conservation, physicochemical variation, residue mobility, and thermodynamic stability) performed at Invitae indicates that this missense variant is not expected to disrupt SOS2 protein function with a negative predictive value of 95%. In summary, the available evidence is currently insufficient to determine the role of this variant in disease. Therefore, it has been classified as a Variant of Uncertain Significance.

NM_006939.4(SOS2):c.2307T>A (p.Phe769Leu)

Gene: SOS2 (SOS Ras/Rho guanine nucleotide exchange factor 2; minus strand). Cytogenetic location: 14q21.3.
Variant type: single nucleotide variant.
Coding change: c.2307T>A on transcript NM_006939.4 (MANE Select); coding-DNA position 2307, T replaced by A.
Protein change: p.Phe769Leu; replaces phenylalanine 769 with leucine.
Molecular consequence: missense variant.
Genome position (GRCh38, 1-based): chr14:50,150,085, A>T on the plus strand (T>A on the coding strand, the complement: SOS2 is on the minus strand). VCF-style: chr14-50150085-A-T. GRCh37 (hg19) VCF-style: chr14-50616803-A-T.
Other names: c.2208T>A, p.Phe736Leu (NM_001411020.1); short protein forms F736L, F769L.
Identifiers: ClinVar variation 2869107 (VCV002869107.3), dbSNP rs2502942055, ClinGen allele CA389643747.